The following is an entry in ClinVar:

NM_015509.4(NECAP1):c.337C>T (p.Arg113Trp)

Gene: NECAP1 (NECAP endocytosis associated 1; plus strand). Cytogenetic location: 12p13.31.
Variant type: single nucleotide variant.
Coding change: c.337C>T on transcript NM_015509.4 (MANE Select); coding-DNA position 337, C replaced by T.
Protein change: p.Arg113Trp; replaces arginine 113 with tryptophan.
Molecular consequence: missense variant.
Genome position (GRCh38, 1-based): chr12:8,091,804, C>T. VCF-style: chr12-8091804-C-T. GRCh37 (hg19) VCF-style: chr12-8244400-C-T.
Other names: short protein forms R113W.
Identifiers: ClinVar variation 2192283 (VCV002192283.1), dbSNP rs201477687, ClinGen allele CA6432241.

ClinVar aggregate classification (germline): Uncertain significance (1 of 4 stars; one submission).

Conditions:
Developmental and epileptic encephalopathy, 21 (DEE21). Also called: Early infantile epileptic encephalopathy 21. Identifiers: Orphanet 442835, MedGen C4014430, MONDO:0014360, OMIM 615833.

Allele frequency attached by ClinVar (database versions not stated): gnomAD 0.00001; TOPMed 0.00001; ExAC 0.00003.

Submission:

Labcorp Genetics (formerly Invitae), Labcorp
Classification: Uncertain significance for Developmental and epileptic encephalopathy, 21. Last evaluated: 2022-01-21. Review status: criteria provided, single submitter. Criteria: Invitae Variant Classification Sherloc (09022015). Collection method: clinical testing. Allele origin: germline.
Comment: This sequence change replaces arginine, which is basic and polar, with tryptophan, which is neutral and slightly polar, at codon 113 of the NECAP1 protein (p.Arg113Trp). This variant is present in population databases (rs201477687, gnomAD 0.004%). This variant has not been reported in the literature in individuals affected with NECAP1-related conditions. Algorithms developed to predict the effect of missense changes on protein structure and function (SIFT, PolyPhen-2, Align-GVGD) all suggest that this variant is likely to be disruptive. In summary, the available evidence is currently insufficient to determine the role of this variant in disease. Therefore, it has been classified as a Variant of Uncertain Significance.